The following is an entry in ClinVar:

ClinVar aggregate classification (germline): Uncertain significance (1 of 4 stars; one submission).

Submission:

Dasa
Classification: Uncertain significance. Last evaluated: 2025-07-29. Review status: criteria provided, single submitter. Criteria: DASA Assertion Criteria. Collection method: clinical testing. Allele origin: germline.
Comment: NM_003072.5(SMARCA4):c.2968G>A (p.Glu990Lys) is a missense variant that results in the substitution of glutamic acid with lysine. The affected residue or protein region has prior evidence supporting clinical relevance. This variant is rare in population databases. The currently available literature and clinical evidence are not sufficient to establish a definitive association between this variant and the reported condition. Therefore, this variant is classified as a variant of uncertain significance.

NM_003072.5(SMARCA4):c.2968G>A (p.Glu990Lys)

Gene: SMARCA4 (SWI/SNF related BAF chromatin remodeling complex subunit ATPase 4; plus strand). Cytogenetic location: 19p13.2.
Variant type: single nucleotide variant.
Coding change: c.2968G>A on transcript NM_003072.5 (MANE Select); coding-DNA position 2968, G replaced by A.
Protein change: p.Glu990Lys; replaces glutamic acid 990 with lysine.
Molecular consequence: missense variant. On other transcripts: non-coding transcript variant (1).
Genome position (GRCh38, 1-based): chr19:11,023,626, G>A. VCF-style: chr19-11023626-G-A. GRCh37 (hg19) VCF-style: chr19-11134302-G-A.
Other names: c.2968G>A, p.Glu990Lys (NM_001128844.3, NM_001128845.2, NM_001128846.2 and 6 more transcripts); short protein forms E990K.
Identifiers: ClinVar variation 4883568 (VCV004883568.2).